The following is an entry in ClinVar:

ClinVar aggregate classification (germline): Uncertain significance. Review status: criteria provided, multiple submitters, no conflicts (2 of 4 stars). 2 submissions from 2 submitters: Uncertain significance (2). Last evaluated 2025-05-26.

Conditions:
Inborn genetic diseases. Identifiers: MedGen C0950123, MeSH D030342.

Allele frequency attached by ClinVar (database versions not stated): gnomAD 0.00001 and below 0.00001; ExAC 0.00003; gnomAD exomes 0.00006 and 0.00004.
gnomAD v4.1: 58 of 1,604,712 alleles (0.0036%); highest among the groups gnomAD compares: South Asian, 0.056%; 1 homozygote.

Submissions (2):

Ambry Genetics
Classification: Uncertain significance for Inborn genetic diseases. Last evaluated: 2025-05-26. Review status: criteria provided, single submitter. Criteria: Ambry Variant Classification Scheme 2023. Collection method: clinical testing. Allele origin: germline.

Labcorp Genetics (formerly Invitae), Labcorp
Classification: Uncertain significance. Last evaluated: 2022-03-03. Review status: criteria provided, single submitter. Criteria: Invitae Variant Classification Sherloc (09022015). Collection method: clinical testing. Allele origin: germline.
Comment: This sequence change replaces isoleucine, which is neutral and non-polar, with valine, which is neutral and non-polar, at codon 872 of the PLK4 protein (p.Ile872Val). In summary, the available evidence is currently insufficient to determine the role of this variant in disease. Therefore, it has been classified as a Variant of Uncertain Significance. Algorithms developed to predict the effect of missense changes on protein structure and function output the following: SIFT: "Tolerated"; PolyPhen-2: "Benign"; Align-GVGD: "Class C0". The valine amino acid residue is found in multiple mammalian species, which suggests that this missense change does not adversely affect protein function. ClinVar contains an entry for this variant (Variation ID: 960189). This variant has not been reported in the literature in individuals affected with PLK4-related conditions. This variant is present in population databases (rs764842905, gnomAD 0.05%).

NM_014264.5(PLK4):c.2614A>G (p.Ile872Val)

Gene: PLK4 (polo like kinase 4; plus strand). Cytogenetic location: 4q28.1.
Variant type: single nucleotide variant.
Coding change: c.2614A>G on transcript NM_014264.5 (MANE Select); coding-DNA position 2614, A replaced by G.
Protein change: p.Ile872Val; replaces isoleucine 872 with valine.
Molecular consequence: missense variant.
Genome position (GRCh38, 1-based): chr4:127,895,004, A>G. VCF-style: chr4-127895004-A-G. GRCh37 (hg19) VCF-style: chr4-128816159-A-G.
Other names: c.2518A>G, p.Ile840Val (NM_001190799.2); c.2491A>G, p.Ile831Val (NM_001190801.2); short protein forms I840V, I872V, I831V.
Identifiers: ClinVar variation 960189 (VCV000960189.6), dbSNP rs764842905, ClinGen allele CA3077109.